The following is an entry in ClinVar:

NM_001079.4(ZAP70):c.1075A>T (p.Met359Leu)

Gene: ZAP70 (zeta chain of T cell receptor associated protein kinase 70; plus strand). Cytogenetic location: 2q11.2.
Variant type: single nucleotide variant.
Coding change: c.1075A>T on transcript NM_001079.4 (MANE Select); coding-DNA position 1075, A replaced by T.
Protein change: p.Met359Leu; replaces methionine 359 with leucine.
Molecular consequence: missense variant.
Genome position (GRCh38, 1-based): chr2:97,734,705, A>T. VCF-style: chr2-97734705-A-T. GRCh37 (hg19) VCF-style: chr2-98351168-A-T.
Other names: c.1075A>T, p.Met359Leu (NM_001378594.1); c.154A>T, p.Met52Leu (NM_207519.2); short protein forms M359L, M52L.
Identifiers: ClinVar variation 2126963 (VCV002126963.4), dbSNP rs757486529, ClinGen allele CA1790348.
Genomic context (GRCh38, chr2:97,734,705, plus strand): 5'-ATAGCTGACATTGAACTTGGCTGCGGCAACTTTGGCTCAGTGCGCCAGGGCGTGTACCGC[A>T]TGCGCAAGTATGGCCGCCCCTGCCGTGGTGGGAGCACCGCCGCCTGGGGCAGAGGGGAGT-3'
Protein context (NP_001070.2, residues 349-369): FGSVRQGVYR[Met359Leu]RKKQIDVAIK

ClinVar aggregate classification (germline): Uncertain significance (1 of 4 stars; one submission).

Conditions:
Combined immunodeficiency due to ZAP70 deficiency (IMD48). Also called: ZAP70 Deficiency; Immunodeficiency 48. Identifiers: Orphanet 911, MedGen C2931299, MONDO:0010023, OMIM 269840.

Allele frequency attached by ClinVar (database versions not stated): gnomAD exomes below 0.00001; ExAC 0.00002.
gnomAD v4.1: 2 of 1,613,786 alleles (0.00012%); highest among the groups gnomAD compares: Non-Finnish European, 0.00017%; no homozygotes.

Submission:

Labcorp Genetics (formerly Invitae), Labcorp
Classification: Uncertain significance for Combined immunodeficiency due to ZAP70 deficiency. Last evaluated: 2022-04-25. Review status: criteria provided, single submitter. Criteria: Invitae Variant Classification Sherloc (09022015). Collection method: clinical testing. Allele origin: germline.
Comment: Algorithms developed to predict the effect of missense changes on protein structure and function are either unavailable or do not agree on the potential impact of this missense change (SIFT: "Not Available"; PolyPhen-2: "Benign"; Align-GVGD: "Not Available"). This sequence change replaces methionine, which is neutral and non-polar, with leucine, which is neutral and non-polar, at codon 359 of the ZAP70 protein (p.Met359Leu). This variant is present in population databases (rs757486529, gnomAD 0.002%). This variant has not been reported in the literature in individuals affected with ZAP70-related conditions. In summary, the available evidence is currently insufficient to determine the role of this variant in disease. Therefore, it has been classified as a Variant of Uncertain Significance.